The following is an entry in ClinVar:

ClinVar aggregate classification (germline): Likely benign. Review status: criteria provided, multiple submitters, no conflicts (2 of 4 stars). 3 submissions from 3 submitters: Likely benign (2). 1 of the submissions does not count toward it. Last evaluated 2021-10-19.

Conditions:
VPS13B-related disorder. Also called: VPS13B-related condition.
Cohen syndrome (COH1). Also called: PEPPER SYNDROME; Cutis verticis gyrata, retinitis pigmentosa, and sensorineural deafness. Identifiers: Orphanet 193, MedGen C0265223, MONDO:0008999, OMIM 216550.

Allele frequency attached by ClinVar (database versions not stated): gnomAD exomes below 0.00001; ExAC 0.00001.
gnomAD v4.1: 3 of 1,613,424 alleles (0.00019%); highest among the groups gnomAD compares: Middle Eastern, 0.017%; no homozygotes.

Submissions (3):

Labcorp Genetics (formerly Invitae), Labcorp
Classification: Likely benign for Cohen syndrome. Last evaluated: 2021-10-19. Review status: criteria provided, single submitter. Criteria: Invitae Variant Classification Sherloc (09022015). Collection method: clinical testing. Allele origin: germline.

Breakthrough Genomics
Classification: Likely benign. Review status: criteria provided, single submitter. Criteria: ACMG Guidelines, 2015. Collection method: not provided. Allele origin: germline. Inheritance: Autosomal recessive inheritance. Affected: yes.

PreventionGenetics, part of Exact Sciences
Classification: Likely benign for VPS13B-related condition. Last evaluated: 2021-07-19. Review status: no assertion criteria provided. Collection method: clinical testing. Allele origin: germline. Not counted in ClinVar's aggregate classification.
Comment: This variant is classified as likely benign based on ACMG/AMP sequence variant interpretation guidelines (Richards et al. 2015 PMID: 25741868, with internal and published modifications).

NM_152564.5(VPS13B):c.1527T>C (p.Thr509=)

Gene: VPS13B (vacuolar protein sorting 13 homolog B; plus strand). Cytogenetic location: 8q22.2.
Variant type: single nucleotide variant.
Coding change: c.1527T>C on transcript NM_152564.5 (MANE Select); coding-DNA position 1527, T replaced by C.
Protein change: p.Thr509=; no amino-acid change (threonine 509 retained).
Molecular consequence: synonymous variant.
Genome position (GRCh38, 1-based): chr8:99,135,697, T>C. VCF-style: chr8-99135697-T-C. GRCh37 (hg19) VCF-style: chr8-100147925-T-C.
Other names: c.1527T>C (NM_152564.4); c.1527T>C, p.Thr509= (NM_015243.3, NM_017890.5).
Identifiers: ClinVar variation 1586238 (VCV001586238.11), dbSNP rs778708757, ClinGen allele CA4822645.
Genomic context (GRCh38, chr8:99,135,697, plus strand): 5'-AGGTTTCACATACCTTACAAATTCATTGTTTGATTACCGAAGCCCAGAAAATAATGGTAC[T>C]CGCGCAGAATTTATCTTGGATTCAACTCATCATAAGGTTAGAGAATATATATTTGAACCA-3'
Protein context (NP_689777.3, residues 499-519): FDYRSPENNG[Thr509=]RAEFILDSTH